The following is an entry in ClinVar:

NM_181523.3(PIK3R1):c.427+5C>A

Gene: PIK3R1 (phosphoinositide-3-kinase regulatory subunit 1; plus strand). Cytogenetic location: 5q13.1.
Variant type: single nucleotide variant.
Coding change: c.427+5C>A on transcript NM_181523.3 (MANE Select); 5 bases into the intron after coding-DNA position 427, C replaced by A.
Molecular consequence: intron variant.
Genome position (GRCh38, 1-based): chr5:68,273,487, C>A. VCF-style: chr5-68273487-C-A. GRCh37 (hg19) VCF-style: chr5-67569315-C-A.
Identifiers: ClinVar variation 789179 (VCV000789179.52), dbSNP rs375394677, ClinGen allele CA3290011.

ClinVar aggregate classification (germline): Conflicting classifications of pathogenicity. Review status: criteria provided, conflicting classifications (1 of 4 stars). 7 submissions from 7 submitters: Uncertain significance (1); Likely benign (3). 3 of the submissions do not count toward it. Last evaluated 2026-02-02.

Conditions:
SHORT syndrome. Also called: SHORT STATURE, HYPEREXTENSIBILITY, HERNIA, OCULAR DEPRESSION, RIEGER ANOMALY, AND TEETHING DELAY; LIPODYSTROPHY, PARTIAL, WITH RIEGER ANOMALY AND SHORT STATURE; PIK3R1-Related SHORT Syndrome. Identifiers: Orphanet 3163, MedGen C0878684, MONDO:0010026, OMIM 269880.
Immunodeficiency 36 with lymphoproliferation. Also called: ACTIVATED PI3K-DELTA SYNDROME 2; Activated PI3K Delta Syndrome Type 2 (APDS2); Immunodeficiency 36. Identifiers: Orphanet 397596, Orphanet 693681, MedGen C4014934, MONDO:0014453, OMIM 616005.
Agammaglobulinemia 7, autosomal recessive (AGM7). Also called: AGAMMAGLOBULINEMIA, AUTOSOMAL RECESSIVE, DUE TO PIK3R1 DEFECT. Identifiers: MedGen C3554689, MONDO:0014083, OMIM 615214.
PIK3R1-related disorder. Also called: PIK3R1-related condition.

Allele frequency attached by ClinVar (database versions not stated): gnomAD 0.00082 and 0.00088; TOPMed 0.00099; ExAC 0.00039; ESP Exome Variant Server 0.00046; gnomAD exomes 0.00052 and 0.00063.
gnomAD v4.1: 904 of 1,609,956 alleles (0.056%); highest among the groups gnomAD compares: Admixed American, 0.29%; no homozygotes.

Submissions (7):

Labcorp Genetics (formerly Invitae), Labcorp
Classification: Likely benign for SHORT syndrome; Immunodeficiency 36 with lymphoproliferation; Agammaglobulinemia 7, autosomal recessive. Last evaluated: 2026-02-02. Review status: criteria provided, single submitter. Criteria: Invitae Variant Classification Sherloc (09022015). Collection method: clinical testing. Allele origin: germline.

CeGaT Center for Human Genetics Tuebingen
Classification: Likely benign. Last evaluated: 2025-02-01. Review status: criteria provided, single submitter. Criteria: CeGaT Center For Human Genetics Tuebingen Variant Classification Criteria Version 2. Collection method: clinical testing. Allele origin: germline. Affected: yes. Observed: 4 variant alleles.
Comment: PIK3R1: BP4

Blueprint Genetics
Classification: Uncertain significance. Last evaluated: 2024-10-15. Review status: criteria provided, single submitter. Criteria: ACMG Guidelines, 2015. Collection method: clinical testing. Allele origin: germline.

Genetic Services Laboratory, University of Chicago
Classification: Likely benign. Last evaluated: 2017-08-29. Review status: criteria provided, single submitter. Criteria: ACMG Guidelines, 2015. Collection method: clinical testing. Allele origin: germline. Affected: no.

PreventionGenetics, part of Exact Sciences
Classification: Likely benign for PIK3R1-related condition. Last evaluated: 2022-11-07. Review status: no assertion criteria provided. Collection method: clinical testing. Allele origin: germline. Not counted in ClinVar's aggregate classification.
Comment: This variant is classified as likely benign based on ACMG/AMP sequence variant interpretation guidelines (Richards et al. 2015 PMID: 25741868, with internal and published modifications).

Clinical Genetics DNA and cytogenetics Diagnostics Lab, Erasmus MC, Erasmus Medical Center
Classification: Likely benign. Review status: no assertion criteria provided. Collection method: clinical testing. Allele origin: germline. Affected: yes. Study: VKGL Data-share Consensus. Not counted in ClinVar's aggregate classification.

Genome Diagnostics Laboratory, University Medical Center Utrecht
Classification: Likely benign. Review status: no assertion criteria provided. Collection method: clinical testing. Allele origin: germline. Affected: yes. Study: VKGL Data-share Consensus. Not counted in ClinVar's aggregate classification.